The following is an entry in ClinVar:

NC_000017.10:g.(?_57767977)_(57771213_?)del

Gene: CLTC (clathrin heavy chain; plus strand). Cytogenetic location: 17q23.1.
Variant type: Deletion.
Identifiers: ClinVar variation 2424117 (VCV002424117.4).

ClinVar aggregate classification (germline): Uncertain significance (1 of 4 stars; one submission).

Submission:

Labcorp Genetics (formerly Invitae), Labcorp
Classification: Uncertain significance. Last evaluated: 2022-02-11. Review status: criteria provided, single submitter. Criteria: Invitae Variant Classification Sherloc (09022015). Collection method: clinical testing. Allele origin: germline.
Comment: This variant is a gross deletion of the genomic region encompassing exon(s) 31-32 of the CLTC gene, which includes the termination codon. This deletion extends beyond the assayed region for this gene and therefore may encompass additional genes. While this deletion is not anticipated to lead to nonsense mediated decay, it is expected to alter mRNA translation or result in a truncated protein product. In summary, the available evidence is currently insufficient to determine the role of this variant in disease. Therefore, it has been classified as a Variant of Uncertain Significance. Experimental studies and prediction algorithms are not available or were not evaluated, and the functional significance of this variant is currently unknown. A similar copy number variant has been observed in individual(s) with clinical features of developmental and epileptic encephalopathy (Invitae).